The following is an entry in ClinVar:

NM_003742.4(ABCB11):c.1847G>A (p.Arg616His)

Gene: ABCB11 (ATP binding cassette subfamily B member 11; minus strand). Cytogenetic location: 2q31.1.
Variant type: single nucleotide variant.
Coding change: c.1847G>A on transcript NM_003742.4 (MANE Select); coding-DNA position 1847, G replaced by A.
Protein change: p.Arg616His; replaces arginine 616 with histidine.
Molecular consequence: missense variant.
Genome position (GRCh38, 1-based): chr2:168,969,514, C>T on the plus strand (G>A on the coding strand, the complement: ABCB11 is on the minus strand). VCF-style: chr2-168969514-C-T. GRCh37 (hg19) VCF-style: chr2-169826024-C-T.
Other names: NM_003742.4(ABCB11):c.1847G>A; p.Arg616His; c.1847G>A (NM_003742.2); c.1847G>A, p.Arg616His (LRG_1199t1); short protein forms R616H.
Identifiers: ClinVar variation 500468 (VCV000500468.10), dbSNP rs777021400, ClinGen allele CA1951441.

ClinVar aggregate classification (germline): Conflicting classifications of pathogenicity. Review status: criteria provided, conflicting classifications (1 of 4 stars). 6 submissions from 6 submitters: Likely pathogenic (1); Uncertain significance (5). Last evaluated 2026-05-26.

Conditions:
ABCB11-related disorder. Also called: ABCB11-related condition.
Familial intrahepatic cholestasis. Identifiers: Orphanet 284385, MedGen CN296401, MONDO:0017290.
Benign recurrent intrahepatic cholestasis type 2 (BRIC2). Also called: Recurrent familial intrahepatic cholestasis 2. Identifiers: Orphanet 65682, Orphanet 99961, MedGen C2608083, MONDO:0011559, OMIM 605479.
Progressive familial intrahepatic cholestasis type 2. Identifiers: Orphanet 79304, MedGen C3489789, MONDO:0011156, OMIM 601847.

Allele frequency attached by ClinVar (database versions not stated): gnomAD 0.00001; gnomAD exomes 0.00001 and 0.00002; TOPMed 0.00001; ExAC 0.00002.

Submissions (6):

PreventionGenetics, part of Exact Sciences
Classification: Uncertain significance for ABCB11-related condition. Last evaluated: 2026-05-26. Review status: criteria provided, single submitter. Criteria: ACMG Guidelines, 2015. Collection method: clinical testing. Allele origin: germline.
Comment: The ABCB11 c.1847G>A variant is predicted to result in the amino acid substitution p.Arg616His. This variant has been reported in the compound heterozygous state in at least two individuals with progressive familial intrahepatic cholestasis (Wang et al. 2016. PubMed ID: 27050426; Li et al. 2020. PubMed ID: 32808743); This variant is reported in 0.013% of alleles in individuals of African descent in gnomAD. Although we suspect that this variant may be pathogenic, at this time, the clinical significance of this variant is uncertain due to the absence of conclusive functional and genetic evidence.

Genomenon, Inc
Classification: Uncertain significance for Familial intrahepatic cholestasis. Last evaluated: 2026-04-14. Review status: criteria provided, single submitter. Criteria: Genomenon Sequence Variant Interpretation Standards - Updated. Collection method: curation. Allele origin: germline. Affected: yes.
Comment: ABCB11 p.Arg616His (c.1847G>A) is a missense variant that changes the amino acid at residue 616 from Arginine to Histidine. This variant has been observed in at least one proband with an ABCB11-related disorder (PMID:32808743). It has been observed in trans with a pathogenic or likely pathogenic variant (PMID:32808743). It is absent or not present at a significant frequency in gnomAD. In silico models predict that this variant is possibly or probably damaging. In conclusion, we classify ABCB11 p.Arg616His (c.1847G>A) as a variant of uncertain significance.

3billion
Classification: Likely pathogenic for Benign recurrent intrahepatic cholestasis type 2. Last evaluated: 2025-05-19. Review status: criteria provided, single submitter. Criteria: ACMG Guidelines, 2015. Collection method: clinical testing. Allele origin: germline. Affected: yes.
Comment: The variant is observed at an extremely low frequency in the gnomAD v4.1.0 dataset (total allele frequency: 0.001%). Predicted Consequence/Location: Missense variant In silico tool predictions suggest damaging effect of the variant on gene or gene product [REVEL: 0.75 (>=0.6, sensitivity 0.68 and specificity 0.92)]. The same nucleotide change resulting in the same amino acid change has been previously reported to be associated with ABCB11-related disorder (PMID: 27050426). The variant has been reported to be in trans with a pathogenic variant as either compound heterozygous or homozygous in at least one similarly affected unrelated individual (PMID: 27050426). Therefore, this variant is classified as Likely pathogenic according to the recommendation of ACMG/AMP guideline.

Broad Center for Mendelian Genomics, Broad Institute of MIT and Harvard
Classification: Uncertain significance for Progressive familial intrahepatic cholestasis type 2. Last evaluated: 2025-01-24. Review status: criteria provided, single submitter. Criteria: ACMG Guidelines, 2015. Collection method: curation. Allele origin: germline. Inheritance: Autosomal recessive inheritance.
Comment: The p.Arg616His variant in ABCB11 has been reported in at least one individual with BSEP deficiency (PMID: 27050426), and has been identified in 0.004% (3/74780) of African/African American chromosomes by the Genome Aggregation Database (gnomAD; dbSNP rs777021400). Although this variant has been seen in the general population in a heterozygous state, its frequency is low enough to be consistent with a recessive carrier frequency. This variant has also been reported in ClinVar (Variation ID: 500468) and has been interpreted as a variant of uncertain significance by Eurofins Ntd Llc (ga). Computational prediction tools and conservation analyses suggest that this variant may impact the protein, though this information is not predictive enough to determine pathogenicity. In summary, the clinical significance of the Arg616His variant is uncertain. ACMG/AMP Criteria applied: PP3_moderate, PM2_supporting (Richards 2015).

Labcorp Genetics (formerly Invitae), Labcorp
Classification: Uncertain significance. Last evaluated: 2024-10-29. Review status: criteria provided, single submitter. Criteria: Invitae Variant Classification Sherloc (09022015). Collection method: clinical testing. Allele origin: germline.
Comment: This sequence change replaces arginine, which is basic and polar, with histidine, which is basic and polar, at codon 616 of the ABCB11 protein (p.Arg616His). This variant is present in population databases (rs777021400, gnomAD 0.01%). This missense change has been observed in individual(s) with ABCB11-related conditions and/or progressive familial intrahepatic cholestasis (PMID: 27050426, 32808743, 35894240). ClinVar contains an entry for this variant (Variation ID: 500468). Invitae Evidence Modeling of protein sequence and biophysical properties (such as structural, functional, and spatial information, amino acid conservation, physicochemical variation, residue mobility, and thermodynamic stability) indicates that this missense variant is expected to disrupt ABCB11 protein function with a positive predictive value of 95%. In summary, the available evidence is currently insufficient to determine the role of this variant in disease. Therefore, it has been classified as a Variant of Uncertain Significance.

Eurofins Ntd Llc (ga)
Classification: Uncertain significance. Last evaluated: 2017-02-23. Review status: criteria provided, single submitter. Criteria: EGL Classification Definitions 2015. Collection method: clinical testing. Allele origin: germline. Observed: 1 variant allele, 1 heterozygote.

Literature cited by the submitters: PubMed 32808743 (cited by Genomenon, Inc and Labcorp Genetics (formerly Invitae), Labcorp); PubMed 27050426 (cited by 3 submitters); PubMed 35894240 (cited by Labcorp Genetics (formerly Invitae), Labcorp).